The following is an entry in ClinVar:

ClinVar aggregate classification (germline): Likely pathogenic (1 of 4 stars; one submission).

Submission:

GeneDx
Classification: Likely pathogenic. Last evaluated: 2026-04-15. Review status: criteria provided, single submitter. Criteria: GeneDx Variant Classification Process June 2021. Collection method: clinical testing. Allele origin: germline.
Comment: Not observed at significant frequency in large population cohorts (gnomAD); In silico analysis supports that this missense variant has a deleterious effect on protein structure/function; Has not been previously published as pathogenic or benign to our knowledge

NM_006940.6(SOX5):c.1831C>T (p.Arg611Cys)

Gene: SOX5 (SRY-box transcription factor 5; minus strand). Cytogenetic location: 12p12.1.
Variant type: single nucleotide variant.
Coding change: c.1831C>T on transcript NM_006940.6 (MANE Select); coding-DNA position 1831, C replaced by T.
Protein change: p.Arg611Cys; replaces arginine 611 with cysteine.
Molecular consequence: missense variant.
Genome position (GRCh38, 1-based): chr12:23,536,610, G>A on the plus strand (C>T on the coding strand, the complement: SOX5 is on the minus strand). VCF-style: chr12-23536610-G-A. GRCh37 (hg19) VCF-style: chr12-23689544-G-A.
Other names: c.1468C>T, p.Arg490Cys (NM_001261414.3); c.1801C>T, p.Arg601Cys (NM_001261415.3); c.1726C>T, p.Arg576Cys (NM_001330785.2); c.1792C>T, p.Arg598Cys (NM_152989.5); c.673C>T, p.Arg225Cys (NM_178010.4); short protein forms R225C, R490C, R576C, R598C, R601C, R611C.
Identifiers: ClinVar variation 5036906 (VCV005036906.1).